The following is an entry in ClinVar:

NM_012092.4(ICOS):c.*330G>A

Gene: ICOS (inducible T cell costimulator; plus strand). Cytogenetic location: 2q33.2.
Variant type: single nucleotide variant.
Coding change: c.*330G>A on transcript NM_012092.4 (MANE Select); 330 bases downstream of the stop codon, G replaced by A.
Molecular consequence: 3 prime UTR variant.
Genome position (GRCh38, 1-based): chr2:203,959,929, G>A. VCF-style: chr2-203959929-G-A. GRCh37 (hg19) VCF-style: chr2-204824652-G-A.
Identifiers: ClinVar variation 333743 (VCV000333743.6), dbSNP rs10932035, ClinGen allele CA10613678.

ClinVar aggregate classification (germline): Benign. Review status: criteria provided, multiple submitters, no conflicts (2 of 4 stars). 2 submissions from 2 submitters: Benign (2). Last evaluated 2018-01-12.

Conditions:
Immunodeficiency, common variable, 1. Also called: ANTIBODY DEFICIENCY DUE TO ICOS DEFECT. Identifiers: Orphanet 1572, Orphanet 695183, MedGen C3149378, MONDO:0011864, OMIM 607594.

Allele frequency attached by ClinVar (database versions not stated): 1000 Genomes Project 30x 0.06496; 1000 Genomes Project 0.06270; gnomAD exomes 0.07882; TOPMed 0.07969; gnomAD 0.08154 and 0.08223.

Submissions (2):

Illumina Laboratory Services, Illumina
Classification: Benign for Immunodeficiency, common variable, 1. Last evaluated: 2018-01-12. Review status: criteria provided, single submitter. Criteria: ICSL Variant Classification Criteria 13 December 2019. Collection method: clinical testing. Allele origin: germline.
Comment: This variant was observed in the ICSL laboratory as part of a predisposition screen in an ostensibly healthy population. It had not been previously curated by ICSL or reported in the Human Gene Mutation Database (HGMD: prior to June 1st, 2018), and was therefore a candidate for classification through an automated scoring system. Utilizing variant allele frequency, disease prevalence and penetrance estimates, and inheritance mode, an automated score was calculated to assess if this variant is too frequent to cause the disease. Based on the score and internal cut-off values, a variant classified as benign is not then subjected to further curation. The score for this variant resulted in a classification of benign for this disease.

Breakthrough Genomics
Classification: Benign. Review status: criteria provided, single submitter. Criteria: ACMG Guidelines, 2015. Collection method: not provided. Allele origin: germline. Inheritance: Autosomal recessive inheritance. Affected: yes.